The following is an entry in ClinVar:

ClinVar aggregate classification (germline): Uncertain significance. Review status: criteria provided, multiple submitters, no conflicts (2 of 4 stars). 5 submissions from 5 submitters: Uncertain significance (5). Last evaluated 2026-05-01.

Conditions:
Cardiovascular phenotype. Identifiers: MedGen CN230736.
Myofibrillar myopathy 4. Also called: Zaspopathy (type). Identifiers: Orphanet 98912, MedGen C4721886, MONDO:0012277, OMIM 609452.

Allele frequency attached by ClinVar (database versions not stated): ExAC 0.00002; TOPMed 0.00006; gnomAD 0.00008 and 0.00007; gnomAD exomes 0.00002.
gnomAD v4.1: 25 of 1,614,104 alleles (0.0015%); highest among the groups gnomAD compares: African/African-American, 0.013%; no homozygotes.

Submissions (5):

Women's Health and Genetics/Laboratory Corporation of America, LabCorp
Classification: Uncertain significance. Last evaluated: 2026-05-01. Review status: criteria provided, single submitter. Criteria: LabCorp Variant Classification Summary - May 2015. Collection method: clinical testing. Allele origin: germline.

Labcorp Genetics (formerly Invitae), Labcorp
Classification: Uncertain significance for Myofibrillar myopathy 4. Last evaluated: 2025-11-17. Review status: criteria provided, single submitter. Criteria: Invitae Variant Classification Sherloc (09022015). Collection method: clinical testing. Allele origin: germline.
Comment: This sequence change replaces arginine, which is basic and polar, with glutamine, which is neutral and polar, at codon 249 of the LDB3 protein (p.Arg249Gln). This variant is present in population databases (rs201689564, gnomAD 0.006%). This variant has not been reported in the literature in individuals affected with LDB3-related conditions. ClinVar contains an entry for this variant (Variation ID: 191699). An algorithm developed to predict the effect of missense changes on protein structure and function (PolyPhen-2) suggests that this variant is likely to be tolerated. In summary, the available evidence is currently insufficient to determine the role of this variant in disease. Therefore, it has been classified as a Variant of Uncertain Significance.

Ambry Genetics
Classification: Uncertain significance for Cardiovascular phenotype. Last evaluated: 2025-09-11. Review status: criteria provided, single submitter. Criteria: Ambry Variant Classification Scheme 2023. Collection method: clinical testing. Allele origin: germline.
Comment: The p.R296Q variant (also known as c.887G>A), located in coding exon 6 of the LDB3 gene, results from a G to A substitution at nucleotide position 887. The arginine at codon 296 is replaced by glutamine, an amino acid with highly similar properties. This amino acid position is well conserved in available vertebrate species. In addition, this alteration is predicted to be tolerated by in silico analysis. Based on the available evidence, the clinical significance of this variant remains unclear.

Revvity Omics, Revvity
Classification: Uncertain significance. Last evaluated: 2020-07-10. Review status: criteria provided, single submitter. Criteria: ACMG Guidelines, 2015. Collection method: clinical testing. Allele origin: germline.

Biesecker Lab/Clinical Genomics Section, National Institutes of Health
Classification: Uncertain significance. Last evaluated: 2013-06-24. Review status: criteria provided, single submitter. Criteria: Ng et al. (Circ Cardiovasc Genet. 2013). Collection method: research. Allele origin: unknown. Observed: 1 variant allele. Study: ClinSeq.
Comment: The study set was not selected for affection status in relation to any cancer. Pathogenicity categories were based on literature curation. See Pubmed ID:23861362 for details.

Medical sequencing

Literature cited by the submitters: PubMed 23861362 (cited by Ambry Genetics).

NM_007078.3(LDB3):c.887G>A (p.Arg296Gln)

Gene: LDB3 (LIM domain binding 3; plus strand). Cytogenetic location: 10q23.2.
Variant type: single nucleotide variant.
Coding change: c.887G>A on transcript NM_007078.3 (MANE Select); coding-DNA position 887, G replaced by A.
Protein change: p.Arg296Gln; replaces arginine 296 with glutamine.
Molecular consequence: missense variant.
Genome position (GRCh38, 1-based): chr10:86,692,562, G>A. VCF-style: chr10-86692562-G-A. GRCh37 (hg19) VCF-style: chr10-88452319-G-A.
Other names: c.887G>A (NM_007078.2); c.746G>A, p.Arg249Gln (NM_001080116.1, NM_001080114.2, NM_001368066.1 and 2 more transcripts); c.887G>A, p.Arg296Gln (NM_001080115.2, NM_001368063.1, NM_001368064.1 and 1 more transcripts); c.1091G>A, p.Arg364Gln (NM_001171610.2, NM_001171611.2); short protein forms R249Q, R296Q, R364Q.
Identifiers: ClinVar variation 191699 (VCV000191699.29), dbSNP rs201689564, ClinGen allele CA237300.